The following is an entry in ClinVar:

ClinVar aggregate classification (germline): Uncertain significance (1 of 4 stars; one submission).

Submission:

Labcorp Genetics (formerly Invitae), Labcorp
Classification: Uncertain significance. Last evaluated: 2025-12-21. Review status: criteria provided, single submitter. Criteria: Invitae Variant Classification Sherloc (09022015). Collection method: clinical testing. Allele origin: germline.
Comment: This sequence change replaces alanine, which is neutral and non-polar, with proline, which is neutral and non-polar, at codon 711 of the ACAN protein (p.Ala711Pro). This variant is not present in population databases (gnomAD no frequency). This variant has not been reported in the literature in individuals affected with ACAN-related conditions. Invitae Evidence Modeling of protein sequence and biophysical properties (such as structural, functional, and spatial information, amino acid conservation, physicochemical variation, residue mobility, and thermodynamic stability) indicates that this missense variant is not expected to disrupt ACAN protein function with a negative predictive value of 80%. In summary, the available evidence is currently insufficient to determine the role of this variant in disease. Therefore, it has been classified as a Variant of Uncertain Significance.

NM_001369268.1(ACAN):c.2131G>C (p.Ala711Pro)

Gene: ACAN (aggrecan; plus strand). Cytogenetic location: 15q26.1.
Variant type: single nucleotide variant.
Coding change: c.2131G>C on transcript NM_001369268.1 (MANE Select); coding-DNA position 2131, G replaced by C.
Protein change: p.Ala711Pro; replaces alanine 711 with proline.
Molecular consequence: missense variant.
Genome position (GRCh38, 1-based): chr15:88,851,898, G>C. VCF-style: chr15-88851898-G-C. GRCh37 (hg19) VCF-style: chr15-89395129-G-C.
Other names: c.2131G>C, p.Ala711Pro (NM_001135.4, NM_001411096.1, NM_001411097.1 and 1 more transcripts); short protein forms A711P.
Identifiers: ClinVar variation 4798278 (VCV004798278.1).